The following is an entry in ClinVar:

NM_000632.4(ITGAM):c.2077G>C (p.Glu693Gln)

Gene: ITGAM (integrin subunit alpha M; plus strand). Cytogenetic location: 16p11.2.
Variant type: single nucleotide variant.
Coding change: c.2077G>C on transcript NM_000632.4 (MANE Select); coding-DNA position 2077, G replaced by C.
Protein change: p.Glu693Gln; replaces glutamic acid 693 with glutamine.
Molecular consequence: missense variant.
Genome position (GRCh38, 1-based): chr16:31,324,473, G>C. VCF-style: chr16-31324473-G-C. GRCh37 (hg19) VCF-style: chr16-31335794-G-C.
Other names: c.2080G>C, p.Glu694Gln (NM_001145808.2); short protein forms E693Q, E694Q.
Identifiers: ClinVar variation 4704552 (VCV004704552.1).

ClinVar aggregate classification (germline): Uncertain significance (1 of 4 stars; one submission).

gnomAD v4.1: 9 of 1,582,842 alleles (0.00057%); highest among the groups gnomAD compares: Non-Finnish European, 0.00077%; no homozygotes.

Submission:

Labcorp Genetics (formerly Invitae), Labcorp
Classification: Uncertain significance. Last evaluated: 2025-05-26. Review status: criteria provided, single submitter. Criteria: Invitae Variant Classification Sherloc (09022015). Collection method: clinical testing. Allele origin: germline.
Comment: This sequence change replaces glutamic acid, which is acidic and polar, with glutamine, which is neutral and polar, at codon 693 of the ITGAM protein (p.Glu693Gln). This variant is present in population databases (rs776489909, gnomAD 0.001%). This variant has not been reported in the literature in individuals affected with ITGAM-related conditions. An algorithm developed to predict the effect of missense changes on protein structure and function outputs the following: PolyPhen-2: "Benign". The glutamine amino acid residue is found in multiple mammalian species, which suggests that this missense change does not adversely affect protein function. In summary, the available evidence is currently insufficient to determine the role of this variant in disease. Therefore, it has been classified as a Variant of Uncertain Significance.